The following is an entry in ClinVar:

ClinVar aggregate classification (germline): Likely benign. Review status: criteria provided, multiple submitters, no conflicts (2 of 4 stars). 3 submissions from 3 submitters: Likely benign (3). Last evaluated 2025-07-14.

Allele frequency attached by ClinVar (database versions not stated): gnomAD 0.00004 and 0.00005; TOPMed 0.00008; ExAC 0.00011; gnomAD exomes 0.00011 and 0.00013; 1000 Genomes Project 30x 0.00016; 1000 Genomes Project 0.00020.

Submissions (3):

Labcorp Genetics (formerly Invitae), Labcorp
Classification: Likely benign. Last evaluated: 2025-07-14. Review status: criteria provided, single submitter. Criteria: Invitae Variant Classification Sherloc (09022015). Collection method: clinical testing. Allele origin: germline.

Blueprint Genetics
Classification: Likely benign. Last evaluated: 2024-11-25. Review status: criteria provided, single submitter. Criteria: ACMG Guidelines, 2015. Collection method: clinical testing. Allele origin: germline.

CeGaT Center for Human Genetics Tuebingen
Classification: Likely benign. Last evaluated: 2022-04-01. Review status: criteria provided, single submitter. Criteria: CeGaT Center For Human Genetics Tuebingen Variant Classification Criteria Version 2. Collection method: clinical testing. Allele origin: germline. Affected: yes. Observed: 1 variant allele.
Comment: GFAP: BP4

NM_002055.5(GFAP):c.522+12G>A

Gene: GFAP (glial fibrillary acidic protein; minus strand). Cytogenetic location: 17q21.31.
Variant type: single nucleotide variant.
Coding change: c.522+12G>A on transcript NM_002055.5 (MANE Select); 12 bases into the intron after coding-DNA position 522, G replaced by A.
Molecular consequence: intron variant.
Genome position (GRCh38, 1-based): chr17:44,914,016, C>T on the plus strand (G>A on the coding strand, the complement: GFAP is on the minus strand). VCF-style: chr17-44914016-C-T. GRCh37 (hg19) VCF-style: chr17-42991384-C-T.
Other names: c.522+12G>A (NM_001363846.2, NM_001131019.3, NM_001242376.3).
Identifiers: ClinVar variation 1694849 (VCV001694849.37), dbSNP rs570491117, ClinGen allele CA8608997.